The following is an entry in ClinVar:

ClinVar aggregate classification (germline): Uncertain significance. Review status: criteria provided, multiple submitters, no conflicts (2 of 4 stars). 2 submissions from 2 submitters: Uncertain significance (2). Last evaluated 2023-08-23.

Conditions:
Inborn genetic diseases. Identifiers: MedGen C0950123, MeSH D030342.

Allele frequency attached by ClinVar (database versions not stated): gnomAD exomes below 0.00001.
gnomAD v4.1: 6 of 1,493,794 alleles (0.0004%); highest among the groups gnomAD compares: Non-Finnish European, 0.00053%; no homozygotes.

Submissions (2):

Labcorp Genetics (formerly Invitae), Labcorp
Classification: Uncertain significance. Last evaluated: 2023-08-23. Review status: criteria provided, single submitter. Criteria: Invitae Variant Classification Sherloc (09022015). Collection method: clinical testing. Allele origin: germline.
Comment: In summary, the available evidence is currently insufficient to determine the role of this variant in disease. Therefore, it has been classified as a Variant of Uncertain Significance. Advanced modeling of protein sequence and biophysical properties (such as structural, functional, and spatial information, amino acid conservation, physicochemical variation, residue mobility, and thermodynamic stability) performed at Invitae indicates that this missense variant is expected to disrupt SPEG protein function. ClinVar contains an entry for this variant (Variation ID: 2284433). This variant has not been reported in the literature in individuals affected with SPEG-related conditions. This variant is not present in population databases (gnomAD no frequency). This sequence change replaces histidine, which is basic and polar, with proline, which is neutral and non-polar, at codon 514 of the SPEG protein (p.His514Pro).

Ambry Genetics
Classification: Uncertain significance for Inborn genetic diseases. Last evaluated: 2022-04-14. Review status: criteria provided, single submitter. Criteria: Ambry Variant Classification Scheme 2023. Collection method: clinical testing. Allele origin: germline.

NM_005876.5(SPEG):c.1541A>C (p.His514Pro)

Gene: SPEG (striated muscle enriched protein kinase; plus strand). Cytogenetic location: 2q35.
Variant type: single nucleotide variant.
Coding change: c.1541A>C on transcript NM_005876.5 (MANE Select); coding-DNA position 1541, A replaced by C.
Protein change: p.His514Pro; replaces histidine 514 with proline.
Molecular consequence: missense variant.
Genome position (GRCh38, 1-based): chr2:219,448,699, A>C. VCF-style: chr2-219448699-A-C. GRCh37 (hg19) VCF-style: chr2-220313421-A-C.
Other names: short protein forms H514P.
Identifiers: ClinVar variation 2284433 (VCV002284433.5), dbSNP rs2545468265, ClinGen allele CA350720566.
Genomic context (GRCh38, chr2:219,448,699, plus strand): 5'-TCGCCCAGGAGCTGGGCCGCATCCGCCGCTCCACGTCGCGGGAGGAGCTGGTGCGCTCGC[A>C]CGAGTCCCTGCGCGCCACGCTGCAGCGTGCCCCATCCCCTCGAGAGCCCGGCGAGCCCCC-3'
Protein context (NP_005867.3, residues 504-524): STSREELVRS[His514Pro]ESLRATLQRA